The following is an entry in ClinVar:

ClinVar aggregate classification (germline): Uncertain significance (1 of 4 stars; one submission).

Conditions:
Cardiovascular phenotype. Identifiers: MedGen CN230736.

Submission:

Ambry Genetics
Classification: Uncertain significance for Cardiovascular phenotype. Last evaluated: 2025-02-27. Review status: criteria provided, single submitter. Criteria: Ambry Variant Classification Scheme 2023. Collection method: clinical testing. Allele origin: germline.
Comment: The p.E1702G variant (also known as c.5105A>G), located in coding exon 20 of the AKAP9 gene, results from an A to G substitution at nucleotide position 5105. The glutamic acid at codon 1702 is replaced by glycine, an amino acid with similar properties. This amino acid position is conserved. In addition, this alteration is predicted to be tolerated by in silico analysis. Based on the available evidence, the clinical significance of this variant remains unclear.

NM_005751.5(AKAP9):c.5105A>G (p.Glu1702Gly)

Gene: AKAP9 (A-kinase anchoring protein 9; plus strand). Cytogenetic location: 7q21.2.
Variant type: single nucleotide variant.
Coding change: c.5105A>G on transcript NM_005751.5 (MANE Select); coding-DNA position 5105, A replaced by G.
Protein change: p.Glu1702Gly; replaces glutamic acid 1702 with glycine.
Molecular consequence: missense variant.
Genome position (GRCh38, 1-based): chr7:92,042,714, A>G. VCF-style: chr7-92042714-A-G. GRCh37 (hg19) VCF-style: chr7-91672028-A-G.
Other names: c.5105A>G, p.Glu1702Gly (NM_147185.3); short protein forms E1702G.
Identifiers: ClinVar variation 3849790 (VCV003849790.1).